The following is an entry in ClinVar:

ClinVar aggregate classification (germline): Uncertain significance (1 of 4 stars; one submission).

Conditions:
Long QT syndrome (LQTS). Identifiers: MedGen C0023976, MeSH D008133, MONDO:0002442. Disease mechanism: loss of function. Inheritance: Various modes of inheritance.

Allele frequency attached by ClinVar (database versions not stated): gnomAD exomes below 0.00001; TOPMed below 0.00001.
gnomAD v4.1: 1 of 1,563,034 alleles (0.000064%); highest among the groups gnomAD compares: East Asian, 0.0024%; no homozygotes.

Submission:

Labcorp Genetics (formerly Invitae), Labcorp
Classification: Uncertain significance for Long QT syndrome. Last evaluated: 2022-08-03. Review status: criteria provided, single submitter. Criteria: Invitae Variant Classification Sherloc (09022015). Collection method: clinical testing. Allele origin: germline.
Comment: This variant has not been reported in the literature in individuals affected with KCNQ1-related conditions. This variant is not present in population databases (gnomAD no frequency). This sequence change replaces glutamic acid, which is acidic and polar, with glycine, which is neutral and non-polar, at codon 558 of the KCNQ1 protein (p.Glu558Gly). Algorithms developed to predict the effect of missense changes on protein structure and function are either unavailable or do not agree on the potential impact of this missense change (SIFT: "Deleterious"; PolyPhen-2: "Probably Damaging"; Align-GVGD: "Class C0"). In summary, the available evidence is currently insufficient to determine the role of this variant in disease. Therefore, it has been classified as a Variant of Uncertain Significance. Algorithms developed to predict the effect of sequence changes on RNA splicing suggest that this variant may create or strengthen a splice site.

NM_000218.3(KCNQ1):c.1673A>G (p.Glu558Gly)

Gene: KCNQ1 (potassium voltage-gated channel subfamily Q member 1; plus strand). Cytogenetic location: 11p15.5.
Variant type: single nucleotide variant.
Coding change: c.1673A>G on transcript NM_000218.3 (MANE Select); coding-DNA position 1673, A replaced by G.
Protein change: p.Glu558Gly; replaces glutamic acid 558 with glycine.
Molecular consequence: missense variant.
Genome position (GRCh38, 1-based): chr11:2,776,042, A>G. VCF-style: chr11-2776042-A-G. GRCh37 (hg19) VCF-style: chr11-2797272-A-G.
Other names: c.1577A>G, p.Glu526Gly (NM_001406836.1); c.1403A>G, p.Glu468Gly (NM_001406837.1); c.1133A>G, p.Glu378Gly (NM_001406838.1); c.1292A>G, p.Glu431Gly (NM_181798.2); short protein forms E431G, E468G, E558G, E378G, E526G.
Identifiers: ClinVar variation 2166842 (VCV002166842.3), dbSNP rs1846691768, ClinGen allele CA379139227.